The following is an entry in ClinVar:

ClinVar aggregate classification (germline): Uncertain significance. Review status: criteria provided, multiple submitters, no conflicts (2 of 4 stars). 2 submissions from 2 submitters: Uncertain significance (2). Last evaluated 2025-02-08.

Conditions:
Inborn genetic diseases. Identifiers: MedGen C0950123, MeSH D030342.

gnomAD v4.1: 8 of 1,613,794 alleles (0.0005%); highest among the groups gnomAD compares: Non-Finnish European, 0.00059%; no homozygotes.

Submissions (2):

Ambry Genetics
Classification: Uncertain significance for Inborn genetic diseases. Last evaluated: 2025-02-08. Review status: criteria provided, single submitter. Criteria: Ambry Variant Classification Scheme 2023. Collection method: clinical testing. Allele origin: germline.

Greenwood Genetic Center Diagnostic Laboratories, Greenwood Genetic Center
Classification: Uncertain significance. Last evaluated: 2024-08-07. Review status: criteria provided, single submitter. Criteria: ACMG Guidelines, 2015. Collection method: clinical testing. Allele origin: germline. Affected: yes.
Comment: PM2, BP4, PP2

NM_003922.4(HERC1):c.10540G>A (p.Val3514Ile)

Gene: HERC1 (HECT and RLD domain containing E3 ubiquitin protein ligase family member 1; minus strand). Cytogenetic location: 15q22.31.
Variant type: single nucleotide variant.
Coding change: c.10540G>A on transcript NM_003922.4 (MANE Select); coding-DNA position 10540, G replaced by A.
Protein change: p.Val3514Ile; replaces valine 3514 with isoleucine.
Molecular consequence: missense variant.
Genome position (GRCh38, 1-based): chr15:63,651,259, C>T on the plus strand (G>A on the coding strand, the complement: HERC1 is on the minus strand). VCF-style: chr15-63651259-C-T. GRCh37 (hg19) VCF-style: chr15-63943458-C-T.
Other names: c.10540G>A (NM_003922.3); short protein forms V3514I.
Identifiers: ClinVar variation 3765568 (VCV003765568.2).